The following is an entry in ClinVar:

NM_003611.3(OFD1):c.512C>A (p.Ser171Tyr)

Gene: OFD1 (OFD1 centriole and centriolar satellite protein; plus strand). Cytogenetic location: Xp22.2.
Variant type: single nucleotide variant.
Coding change: c.512C>A on transcript NM_003611.3 (MANE Select); coding-DNA position 512, C replaced by A.
Protein change: p.Ser171Tyr; replaces serine 171 with tyrosine.
Molecular consequence: missense variant.
Genome position (GRCh38, 1-based): chrX:13,744,514, C>A. VCF-style: chrX-13744514-C-A. GRCh37 (hg19) VCF-style: chrX-13762633-C-A.
Other names: c.512C>A, p.Ser171Tyr (NM_001330209.2); c.92C>A, p.Ser31Tyr (NM_001330210.2); short protein forms S171Y, S31Y.
Identifiers: ClinVar variation 2930777 (VCV002930777.4), dbSNP rs746789801, ClinGen allele CA412336452.

ClinVar aggregate classification (germline): Uncertain significance. Review status: criteria provided, multiple submitters, no conflicts (2 of 4 stars). 2 submissions from 2 submitters: Uncertain significance (2). Last evaluated 2024-02-13.

Conditions:
Joubert syndrome. Also called: CEREBELLOPARENCHYMAL DISORDER IV; JOUBERT-BOLTSHAUSER SYNDROME; Familial aplasia of the vermis. Identifiers: Orphanet 475, MedGen C5979921, MONDO:0018772.
Orofaciodigital syndrome I (OFD1). Also called: OFDS I; Papillon-Leage and Psaume Syndrome; Oral-Facial-Digital Syndrome Type I. Identifiers: Orphanet 2750, MedGen C1510460, MONDO:0010702, OMIM 311200.
Simpson-Golabi-Behmel syndrome type 2. Identifiers: Orphanet 79022, MedGen C1846175, MONDO:0010265, OMIM 300209.
Joubert syndrome 10 (JBTS10). Identifiers: Orphanet 2754, MedGen C2749019, MONDO:0010431, OMIM 300804.
Retinitis pigmentosa 23 (RP23). Identifiers: Orphanet 791, MedGen C1419610, MONDO:0010320, OMIM 300424.

gnomAD v4.1: 1 of 1,090,001 alleles (0.000092%); highest among the groups gnomAD compares: Non-Finnish European, 0.00013%; no homozygotes.

Submissions (2):

Fulgent Genetics
Classification: Uncertain significance for Simpson-Golabi-Behmel syndrome type 2; Retinitis pigmentosa 23; Joubert syndrome 10; Orofaciodigital syndrome I. Last evaluated: 2024-02-13. Review status: criteria provided, single submitter. Criteria: ACMG Guidelines, 2015. Collection method: clinical testing. Allele origin: germline.

Labcorp Genetics (formerly Invitae), Labcorp
Classification: Uncertain significance for Orofaciodigital syndrome I; Joubert syndrome. Last evaluated: 2023-08-27. Review status: criteria provided, single submitter. Criteria: Invitae Variant Classification Sherloc (09022015). Collection method: clinical testing. Allele origin: germline.
Comment: This variant has not been reported in the literature in individuals affected with OFD1-related conditions. Advanced modeling of protein sequence and biophysical properties (such as structural, functional, and spatial information, amino acid conservation, physicochemical variation, residue mobility, and thermodynamic stability) performed at Invitae indicates that this missense variant is expected to disrupt OFD1 protein function. In summary, the available evidence is currently insufficient to determine the role of this variant in disease. Therefore, it has been classified as a Variant of Uncertain Significance. This variant is not present in population databases (gnomAD no frequency). This sequence change replaces serine, which is neutral and polar, with tyrosine, which is neutral and polar, at codon 171 of the OFD1 protein (p.Ser171Tyr).